The following is an entry in ClinVar:

NM_018896.5(CACNA1G):c.4168A>G (p.Arg1390Gly)

Gene: CACNA1G (calcium voltage-gated channel subunit alpha1 G; plus strand). Cytogenetic location: 17q21.33.
Variant type: single nucleotide variant.
Coding change: c.4168A>G on transcript NM_018896.5 (MANE Select); coding-DNA position 4168, A replaced by G.
Protein change: p.Arg1390Gly; replaces arginine 1390 with glycine.
Molecular consequence: missense variant. On other transcripts: non-coding transcript variant (5).
Genome position (GRCh38, 1-based): chr17:50,603,198, A>G. VCF-style: chr17-50603198-A-G. GRCh37 (hg19) VCF-style: chr17-48680559-A-G.
Other names: c.4168A>G, p.Arg1390Gly (NM_001256324.2, NM_001256325.2, NM_001256326.2 and 16 more transcripts); c.4099A>G, p.Arg1367Gly (NM_001256332.2, NM_198376.3, NM_198379.3 and 5 more transcripts); short protein forms R1367G, R1390G.
Identifiers: ClinVar variation 3365728 (VCV003365728.1).

ClinVar aggregate classification (germline): Uncertain significance (1 of 4 stars; one submission).

gnomAD v4.1: 1 of 1,601,484 alleles (0.000062%); no homozygotes.

Submission:

GeneDx
Classification: Uncertain significance. Last evaluated: 2023-12-14. Review status: criteria provided, single submitter. Criteria: GeneDx Variant Classification Process June 2021. Collection method: clinical testing. Allele origin: germline. Affected: yes.
Comment: Not observed at significant frequency in large population cohorts (gnomAD); In silico analysis supports that this missense variant has a deleterious effect on protein structure/function; In silico analysis also supports a deleterious effect on splicing; Has not been previously published as pathogenic or benign to our knowledge